The following is an entry in ClinVar:

ClinVar aggregate classification (germline): Uncertain significance (1 of 4 stars; one submission).

Conditions:
Familial colorectal cancer. Identifiers: MedGen CN280943, MONDO:0023113. Disease mechanism: loss of function.
Facial dysmorphism-immunodeficiency-livedo-short stature syndrome. Also called: Facial dysmorphism, immunodeficiency, livedo, and short stature; FILS syndrome. Identifiers: Orphanet 352712, MedGen C3554576, MONDO:0014058, OMIM 615139.

Submission:

Labcorp Genetics (formerly Invitae), Labcorp
Classification: Uncertain significance. Last evaluated: 2020-04-09. Review status: criteria provided, single submitter. Criteria: Invitae Variant Classification Sherloc (09022015). Collection method: clinical testing. Allele origin: germline.
Comment: In summary, the available evidence is currently insufficient to determine the role of this variant in disease. Therefore, it has been classified as a Variant of Uncertain Significance. Algorithms developed to predict the effect of missense changes on protein structure and function are either unavailable or do not agree on the potential impact of this missense change (SIFT: "Deleterious"; PolyPhen-2: "Possibly Damaging"; Align-GVGD: "Class C0"). This variant has not been reported in the literature in individuals with POLE-related conditions. This variant is not present in population databases (ExAC no frequency). This sequence change replaces arginine with proline at codon 1826 of the POLE protein (p.Arg1826Pro). The arginine residue is moderately conserved and there is a moderate physicochemical difference between arginine and proline.

NM_006231.4(POLE):c.5477G>C (p.Arg1826Pro)

Gene: POLE (DNA polymerase epsilon, catalytic subunit; minus strand). Cytogenetic location: 12q24.33.
Variant type: single nucleotide variant.
Coding change: c.5477G>C on transcript NM_006231.4 (MANE Select); coding-DNA position 5477, G replaced by C.
Protein change: p.Arg1826Pro; replaces arginine 1826 with proline.
Molecular consequence: missense variant.
Genome position (GRCh38, 1-based): chr12:132,639,200, C>G on the plus strand (G>C on the coding strand, the complement: POLE is on the minus strand). VCF-style: chr12-132639200-C-G. GRCh37 (hg19) VCF-style: chr12-133215786-C-G.
Other names: short protein forms R1826P.
Identifiers: ClinVar variation 950629 (VCV000950629.11), dbSNP rs1555221919, ClinGen allele CA387374684.
Genomic context (GRCh38, chr12:132,639,200, plus strand): 5'-TTCATCATGTTGTGGAGTGTGCGGTGCAGGGCAGGGTCATGAAGCAGAGAGGATGGCGAC[C>G]GAAGCCAGCGGTAGAAGTGCATCACCTGGTTGTCTGCATAGATGTTGTGGTACTGGGTGA-3'
Protein context (NP_006222.2, residues 1816-1836): NQVMHFYRWL[Arg1826Pro]SPSSLLHDPA